The following is an entry in ClinVar:

NM_021927.3(GUF1):c.67G>C (p.Ala23Pro)

Genes: GUF1 (GTP binding elongation factor GUF1; plus strand), LOC129992541 (ATAC-STARR-seq lymphoblastoid silent region 15397; plus strand). Cytogenetic location: 4p12.
Variant type: single nucleotide variant.
Coding change: c.67G>C on transcript NM_021927.3 (MANE Select); coding-DNA position 67, G replaced by C.
Protein change: p.Ala23Pro; replaces alanine 23 with proline.
Molecular consequence: missense variant. On other transcripts: 5 prime UTR variant (2).
Genome position (GRCh38, 1-based): chr4:44,678,689, G>C. VCF-style: chr4-44678689-G-C. GRCh37 (hg19) VCF-style: chr4-44680706-G-C.
Other names: c.-902G>C (NM_001345867.2); c.67G>C, p.Ala23Pro (NM_001345868.2); c.-794G>C (NM_001345869.2); short protein forms A23P.
Identifiers: ClinVar variation 2415758 (VCV002415758.5), dbSNP rs567610700, ClinGen allele CA96514259.

ClinVar aggregate classification (germline): Uncertain significance (1 of 4 stars; one submission).

Allele frequency attached by ClinVar (database versions not stated): TOPMed below 0.00001; gnomAD 0.00003.
gnomAD v4.1: 13 of 1,502,876 alleles (0.00087%); highest among the groups gnomAD compares: Non-Finnish European, 0.0011%; no homozygotes.

Submission:

Labcorp Genetics (formerly Invitae), Labcorp
Classification: Uncertain significance. Last evaluated: 2022-02-06. Review status: criteria provided, single submitter. Criteria: Invitae Variant Classification Sherloc (09022015). Collection method: clinical testing. Allele origin: germline.
Comment: In summary, the available evidence is currently insufficient to determine the role of this variant in disease. Therefore, it has been classified as a Variant of Uncertain Significance. Algorithms developed to predict the effect of missense changes on protein structure and function (SIFT, PolyPhen-2, Align-GVGD) all suggest that this variant is likely to be tolerated. This variant has not been reported in the literature in individuals affected with GUF1-related conditions. This variant is not present in population databases (gnomAD no frequency). This sequence change replaces alanine, which is neutral and non-polar, with proline, which is neutral and non-polar, at codon 23 of the GUF1 protein (p.Ala23Pro).